The following is an entry in ClinVar:

NM_001267550.2(TTN):c.62978dup (p.Ser20994fs)

Genes: TTN (titin; minus strand), TTN-AS1 (TTN antisense RNA 1; plus strand). Cytogenetic location: 2q31.2.
Variant type: Duplication.
Coding change: c.62978dup on transcript NM_001267550.2 (MANE Select); coding-DNA position 62978, one base duplicated (A; older notation c.62978dupA).
Protein change: p.Ser20994fs; shifts the reading frame from serine 20994.
Molecular consequence: frameshift variant.
Genome position (GRCh38, 1-based): chr2:178,588,747, T duplicated on the plus strand (A on the coding strand, the reverse complement: TTN is on the minus strand); the first of 3 consecutive T bases (chr2:178,588,747-178,588,749); duplicating any one gives the same sequence. VCF-style (leftmost placement, unchanged base first): chr2-178588746-C-CT. GRCh37 (hg19) VCF-style: chr2-179453473-C-CT.
Other names: c.58055dup, p.Ser19353fs (NM_001256850.1); c.35783dup, p.Ser11929fs (NM_003319.4); c.55274dup, p.Ser18426fs (NM_133378.4); c.36158dup, p.Ser12054fs (NM_133432.3); c.36359dup, p.Ser12121fs (NM_133437.4); short protein forms S12054fs, S12121fs, S19353fs, S20994fs, S11929fs, S18426fs.
Identifiers: ClinVar variation 1485627 (VCV001485627.8), dbSNP rs2154183322, ClinGen allele CA2573133759.

ClinVar aggregate classification (germline): Likely pathogenic (1 of 4 stars; one submission).

Conditions:
Dilated cardiomyopathy 1G (CMD1G). Identifiers: Orphanet 154, MedGen C1858763, MONDO:0011400, OMIM 604145.
Autosomal recessive limb-girdle muscular dystrophy type 2J (LGMDR10). Also called: Limb-girdle muscular dystrophy, type 2J; MUSCULAR DYSTROPHY, LIMB-GIRDLE, AUTOSOMAL RECESSIVE 10. Identifiers: Orphanet 140922, MedGen C1837342, MONDO:0012127, OMIM 608807.

Submission:

Labcorp Genetics (formerly Invitae), Labcorp
Classification: Likely pathogenic for Dilated cardiomyopathy 1G; Autosomal recessive limb-girdle muscular dystrophy type 2J. Last evaluated: 2021-05-30. Review status: criteria provided, single submitter. Criteria: Invitae Variant Classification Sherloc (09022015). Collection method: clinical testing. Allele origin: germline.
Comment: This variant is located in the A band of TTN (PMID: 25589632). Truncating variants in this region are significantly overrepresented in patients affected with dilated cardiomyopathy (PMID: 25589632). Truncating variants in this region have also been reported in individuals affected with autosomal recessive centronuclear myopathy (PMID: 23975875). This sequence change creates a premature translational stop signal (p.Ser20994Valfs*27) in the TTN gene. While this is not anticipated to result in nonsense mediated decay, it is expected to create a truncated TTN protein. This variant is not present in population databases (ExAC no frequency). This variant has not been reported in the literature in individuals with TTN-related conditions. In summary, the currently available evidence indicates that the variant is pathogenic, but additional data are needed to prove that conclusively. Therefore, this variant has been classified as Likely Pathogenic.

Literature cited by the submitters: PubMed 25589632; PubMed 23975875.